The following is an entry in ClinVar:

ClinVar aggregate classification (germline): Benign. Review status: reviewed by expert panel (3 of 4 stars). 26 submissions from 25 submitters: Benign (1). 25 of the submissions do not count toward it. Last evaluated 2015-08-10.

Conditions:
Hereditary cancer-predisposing syndrome. Also called: Neoplastic Syndromes, Hereditary; Tumor predisposition; Hereditary Cancer Syndrome; Hereditary neoplastic syndrome. Identifiers: Orphanet 140162, MedGen C0027672, MeSH D009386, MONDO:0015356.
Breast and/or ovarian cancer. Identifiers: MedGen CN221562.
Hereditary breast ovarian cancer syndrome. Also called: Hereditary breast and/or ovarian cancer syndrome; Hereditary breast and ovarian cancer syndrome; Hereditary breast and ovarian cancer; Hereditary breast and ovarian cancer syndrome (HBOC); Breast and ovarian cancer; BRCA1- and BRCA2-Associated Hereditary Breast and Ovarian Cancer. Identifiers: Orphanet 145, MedGen C0677776, MeSH D061325, MONDO:0003582. Disease mechanism: loss of function.
Fanconi anemia complementation group D1. Also called: BRCA2-Related Fanconi Anemia. Identifiers: Orphanet 319462, MedGen C1838457, MONDO:0011584, OMIM 605724.
Breast-ovarian cancer, familial, susceptibility to, 2 (BROVCA2). Also called: BRCA2 Hereditary Breast and Ovarian Cancer. Identifiers: Orphanet 145, MedGen C2675520, MONDO:0012933, OMIM 612555. Disease mechanism: loss of function.
Malignant tumor of breast. Also called: Malignant breast neoplasm; Cancer breast. Identifiers: MedGen C0006142, MONDO:0007254. Disease mechanism: loss of function.

Allele frequency attached by ClinVar (database versions not stated): ESP Exome Variant Server 0.00377; gnomAD 0.00322 and 0.00355; TOPMed 0.00376; gnomAD exomes 0.00031 and 0.00073; ExAC 0.00089; 1000 Genomes Project 0.00200; 1000 Genomes Project 30x 0.00234.
gnomAD v4.1: 946 of 1,613,924 alleles (0.059%); highest among the groups gnomAD compares: African/African-American, 1.2%; 6 homozygotes.

Submissions (26):

Evidence-based Network for the Interpretation of Germline Mutant Alleles (ENIGMA)
Classification: Benign for Breast-ovarian cancer, familial 2. Last evaluated: 2015-08-10. Review status: reviewed by expert panel. Criteria: ENIGMA BRCA1/2 Classification Criteria (2015). Collection method: curation. Allele origin: germline.
Comment: IARC class based on posterior probability from multifactorial likelihood analysis, thresholds for class as per Plon et al. 2008 (PMID: 18951446). Class 1 based on posterior probability = 0.0000741

CeGaT Center for Human Genetics Tuebingen
Classification: Likely benign. Last evaluated: 2026-07-01. Review status: criteria provided, single submitter. Criteria: CeGaT Center For Human Genetics Tuebingen Variant Classification Criteria Version 2. Collection method: clinical testing. Allele origin: germline. Affected: yes. Observed: 3 variant alleles. Not counted in ClinVar's aggregate classification.
Comment: BRCA2: BP4, BS1

Labcorp Genetics (formerly Invitae), Labcorp
Classification: Benign for Hereditary breast ovarian cancer syndrome. Last evaluated: 2026-02-03. Review status: criteria provided, single submitter. Criteria: Invitae Variant Classification Sherloc (09022015). Collection method: clinical testing. Allele origin: germline. Not counted in ClinVar's aggregate classification.

Dasa
Classification: Benign. Last evaluated: 2025-11-24. Review status: criteria provided, single submitter. Criteria: DASA Assertion Criteria. Collection method: clinical testing. Allele origin: germline. Not counted in ClinVar's aggregate classification.
Comment: NM_000059.4(BRCA2):c.2786T>C (p.Leu929Ser) is interpreted as benign based on a combination of available evidence, including population frequency, and in silico models suggesting no deleterious effect. Based on the available data, this variant is classified as benign.

Center for Genomic Medicine, Rigshospitalet, Copenhagen University Hospital
Classification: Benign. Last evaluated: 2025-03-04. Review status: criteria provided, single submitter. Criteria: ACMG Guidelines, 2015. Collection method: clinical testing. Allele origin: germline. Not counted in ClinVar's aggregate classification.

ARUP Laboratories, Molecular Genetics and Genomics, ARUP Laboratories
Classification: Benign. Last evaluated: 2024-12-20. Review status: criteria provided, single submitter. Criteria: ARUP Molecular Germline Variant Investigation Process 2024. Collection method: clinical testing. Allele origin: germline. Not counted in ClinVar's aggregate classification.

Blueprint Genetics
Classification: Likely benign. Last evaluated: 2024-09-23. Review status: criteria provided, single submitter. Criteria: ACMG Guidelines, 2015. Collection method: clinical testing. Allele origin: germline. Not counted in ClinVar's aggregate classification.

KCCC/NGS Laboratory, Kuwait Cancer Control Center
Classification: Benign for Breast-ovarian cancer, familial, susceptibility to, 2. Last evaluated: 2023-07-07. Review status: criteria provided, single submitter. Criteria: ACMG Guidelines, 2015. Collection method: clinical testing. Allele origin: germline. Affected: yes. Not counted in ClinVar's aggregate classification.

CHEO Genetics Diagnostic Laboratory, Children's Hospital of Eastern Ontario
Classification: Benign for Breast and/or ovarian cancer. Last evaluated: 2022-05-03. Review status: criteria provided, single submitter. Criteria: ACMG Guidelines, 2015. Collection method: clinical testing. Allele origin: germline. Not counted in ClinVar's aggregate classification.

Sema4
Classification: Benign for Hereditary cancer-predisposing syndrome. Last evaluated: 2020-08-10. Review status: criteria provided, single submitter. Criteria: Sema4 Curation Guidelines. Collection method: curation. Allele origin: germline. Not counted in ClinVar's aggregate classification.

Illumina Laboratory Services, Illumina
Classification: Likely benign for Breast-ovarian cancer, familial, susceptibility to, 2. Last evaluated: 2018-02-02. Review status: criteria provided, single submitter. Criteria: ICSL Variant Classification Criteria 13 December 2019. Collection method: clinical testing. Allele origin: germline. Not counted in ClinVar's aggregate classification.
Comment: This variant was observed as part of a predisposition screen in an ostensibly healthy population. A literature search was performed for the gene, cDNA change, and amino acid change (where applicable). Publications were found based on this search. The evidence from the literature, in combination with allele frequency data from public databases where available, was sufficient to determine this variant is unlikely to cause disease. Therefore, this variant is classified as likely benign.

Illumina Laboratory Services, Illumina
Classification: Likely benign for Fanconi anemia complementation group D1. Last evaluated: 2018-02-02. Review status: criteria provided, single submitter. Criteria: ICSL Variant Classification Criteria 13 December 2019. Collection method: clinical testing. Allele origin: germline. Not counted in ClinVar's aggregate classification.
Comment: This variant was observed as part of a predisposition screen in an ostensibly healthy population. A literature search was performed for the gene, cDNA change, and amino acid change (where applicable). No publications were found based on this search. Allele frequency data from public databases allowed determination this variant is unlikely to cause disease. Therefore, this variant is classified as likely benign.

PreventionGenetics, part of Exact Sciences
Classification: Benign. Last evaluated: 2016-11-02. Review status: criteria provided, single submitter. Criteria: ACMG Guidelines, 2015. Collection method: clinical testing. Allele origin: germline. Not counted in ClinVar's aggregate classification.

Color Diagnostics, LLC DBA Color Health
Classification: Benign for Hereditary cancer-predisposing syndrome. Last evaluated: 2015-09-30. Review status: criteria provided, single submitter. Criteria: ACMG Guidelines, 2015. Collection method: clinical testing. Allele origin: germline. Not counted in ClinVar's aggregate classification.

Ambry Genetics
Classification: Benign for Hereditary cancer-predisposing syndrome. Last evaluated: 2014-11-19. Review status: criteria provided, single submitter. Criteria: Ambry Variant Classification Scheme 2023. Collection method: clinical testing. Allele origin: germline. Not counted in ClinVar's aggregate classification.

Molecular Genetics Laboratory, University of Michigan
Classification: Benign for Breast-ovarian cancer, familial, susceptibility to, 2. Last evaluated: 2014-11-03. Review status: criteria provided, single submitter. Criteria: ACMG Guidelines, 2015. Collection method: clinical testing. Allele origin: germline. Affected: yes. Not counted in ClinVar's aggregate classification.

Women's Health and Genetics/Laboratory Corporation of America, LabCorp
Classification: Benign for Hereditary breast ovarian cancer syndrome. Last evaluated: 2014-03-04. Review status: criteria provided, single submitter. Criteria: LabCorp Variant Classification Summary - May 2015. Collection method: clinical testing. Allele origin: germline. Not counted in ClinVar's aggregate classification.

Eurofins Ntd Llc (ga)
Classification: Benign. Last evaluated: 2014-02-17. Review status: criteria provided, single submitter. Criteria: EGL Classification Definitions 2015. Collection method: clinical testing. Allele origin: germline. Observed: 1 variant allele, 1 heterozygote. Not counted in ClinVar's aggregate classification.

GeneDx
Classification: Benign. Last evaluated: 2013-10-08. Review status: criteria provided, single submitter. Criteria: GeneDx Variant Classification (06012015). Collection method: clinical testing. Allele origin: germline. Affected: yes. Not counted in ClinVar's aggregate classification.
Comment: This variant is considered likely benign or benign based on one or more of the following criteria: it is a conservative change, it occurs at a poorly conserved position in the protein, it is predicted to be benign by multiple in silico algorithms, and/or has population frequency not consistent with disease.

Breakthrough Genomics
Classification: Benign. Review status: criteria provided, single submitter. Criteria: ACMG Guidelines, 2015. Collection method: not provided. Allele origin: germline. Inheritance: Autosomal recessive inheritance. Affected: yes. Not counted in ClinVar's aggregate classification.

Mayo Clinic Laboratories, Mayo Clinic
Classification: Benign. Last evaluated: 2018-02-28. Review status: no assertion criteria provided. Collection method: clinical testing. Allele origin: unknown. Not counted in ClinVar's aggregate classification.

Counsyl
Classification: Benign for Breast-ovarian cancer, familial 2. Last evaluated: 2014-04-29. Review status: no assertion criteria provided. Collection method: literature only. Allele origin: unknown. Inheritance: Autosomal dominant inheritance. Not counted in ClinVar's aggregate classification.

ITMI
No classification provided. Condition: AllHighlyPenetrant. Last evaluated: 2013-09-19. Review status: no classification provided. Collection method: reference population. Allele origin: germline. Not counted in ClinVar's aggregate classification.
Comment: Please see associated publication for description of ethnicities

Sharing Clinical Reports Project (SCRP)
Classification: Benign for Breast-ovarian cancer, familial 2. Last evaluated: 2012-05-01. Review status: no assertion criteria provided. Collection method: clinical testing. Allele origin: germline. Not counted in ClinVar's aggregate classification.

Breast Cancer Information Core (BIC) (BRCA2)
Classification: Benign for Breast-ovarian cancer, familial 2. Last evaluated: 2002-05-29. Review status: no assertion criteria provided. Collection method: clinical testing. Allele origin: germline. Affected: yes. Observed: 41 variant alleles. Not counted in ClinVar's aggregate classification.

Department of Pathology and Laboratory Medicine, Sinai Health System
Classification: Benign for Malignant tumor of breast. Review status: no assertion criteria provided. Collection method: clinical testing. Allele origin: unknown. Affected: yes. Observed: 3 variant alleles. Study: The Canadian Open Genetics Repository (COGR). Not counted in ClinVar's aggregate classification.
Comment: The p.Leu929Ser variant was identified in the BIC database 41X and in the UMD database and indicated as either having no clinical significance or as being neutral, respectively. This variant is not conserved in mammals and lower organisms, although computational analysis (SIFT, AlignGVGD, BLOSUM) disagree on whether or not this variant may impact the protein. However, this information is not informative. The variant was identified in the dbSNP database (ID: rs2227943) in the HapMap-Yoruban cohort with a frequency of 0.022 and in the exome variant server database as having with a frequency of 0.004 in the African American cohort, increasing the likelihood this variant does not have clinical significance. Furthermore, Myriad genetics calls this variant as a "polymorphism" increasing the likelihood this variant does not have clinical significance. In summary, this variant meets our laboratory's criteria to be classfied as benign.

Literature cited by the submitters: PubMed 21990134 (cited by 4 submitters); PubMed 24323938 (cited by Illumina Laboratory Services, Illumina and Women's Health and Genetics/Laboratory Corporation of America, LabCorp); PubMed 15744044 (cited by 3 submitters); PubMed 18284688 (cited by 3 submitters); PubMed 18824701 (cited by 3 submitters); PubMed 20104584 (cited by Women's Health and Genetics/Laboratory Corporation of America, LabCorp); PubMed 16234499 (cited by Women's Health and Genetics/Laboratory Corporation of America, LabCorp); PubMed 22034289 (cited by Women's Health and Genetics/Laboratory Corporation of America, LabCorp); PubMed 11030418 (cited by Counsyl); PubMed 24728327 (cited by ITMI).

NM_000059.4(BRCA2):c.2786T>C (p.Leu929Ser)

Gene: BRCA2 (BRCA2 DNA repair associated; plus strand). Cytogenetic location: 13q13.1.
Variant type: single nucleotide variant.
Coding change: c.2786T>C on transcript NM_000059.4 (MANE Select); coding-DNA position 2786, T replaced by C.
Protein change: p.Leu929Ser; replaces leucine 929 with serine.
Molecular consequence: missense variant.
Genome position (GRCh38, 1-based): chr13:32,337,141, T>C. VCF-style: chr13-32337141-T-C. GRCh37 (hg19) VCF-style: chr13-32911278-T-C.
Other names: L929S; p.L929S:TTA>TCA; 3014T>C.
Identifiers: ClinVar variation 51343 (VCV000051343.63), dbSNP rs2227943, ClinGen allele CA016363.